The following is an entry in ClinVar:

NM_002485.5(NBN):c.1685T>C (p.Val562Ala)

Gene: NBN (nibrin; minus strand). Cytogenetic location: 8q21.3.
Variant type: single nucleotide variant.
Coding change: c.1685T>C on transcript NM_002485.5 (MANE Select); coding-DNA position 1685, T replaced by C.
Protein change: p.Val562Ala; replaces valine 562 with alanine.
Molecular consequence: missense variant.
Genome position (GRCh38, 1-based): chr8:89,953,404, A>G on the plus strand (T>C on the coding strand, the complement: NBN is on the minus strand). VCF-style: chr8-89953404-A-G. GRCh37 (hg19) VCF-style: chr8-90965632-A-G.
Other names: c.1439T>C, p.Val480Ala (NM_001024688.3, NM_001440379.1, NM_001440380.1); short protein forms V480A, V562A.
Identifiers: ClinVar variation 5025373 (VCV005025373.1).

ClinVar aggregate classification (germline): Uncertain significance (1 of 4 stars; one submission).

Conditions:
Hereditary cancer-predisposing syndrome. Also called: Neoplastic Syndromes, Hereditary; Tumor predisposition; Hereditary neoplastic syndrome; Hereditary Cancer Syndrome. Identifiers: Orphanet 140162, MedGen C0027672, MeSH D009386, MONDO:0015356.

Submission:

Ambry Genetics
Classification: Uncertain significance for Hereditary cancer-predisposing syndrome. Last evaluated: 2026-07-06. Review status: criteria provided, single submitter. Criteria: Ambry Variant Classification Scheme 2023. Collection method: clinical testing. Allele origin: germline.
Comment: The p.V562A variant (also known as c.1685T>C), located in coding exon 11 of the NBN gene, results from a T to C substitution at nucleotide position 1685. The valine at codon 562 is replaced by alanine, an amino acid with similar properties. This amino acid position is conserved. In addition, this alteration is predicted to be tolerated by in silico analysis. Based on the available evidence, the clinical significance of this variant remains unclear.